The following is an entry in ClinVar:

NM_001009944.3(PKD1):c.11762C>G (p.Thr3921Ser)

Gene: PKD1 (polycystin 1, transient receptor potential channel interacting; minus strand). Cytogenetic location: 16p13.3.
Variant type: single nucleotide variant.
Coding change: c.11762C>G on transcript NM_001009944.3 (MANE Select); coding-DNA position 11762, C replaced by G.
Protein change: p.Thr3921Ser; replaces threonine 3921 with serine.
Molecular consequence: missense variant.
Genome position (GRCh38, 1-based): chr16:2,091,125, G>C on the plus strand (C>G on the coding strand, the complement: PKD1 is on the minus strand). VCF-style: chr16-2091125-G-C. GRCh37 (hg19) VCF-style: chr16-2141126-G-C.
Other names: c.11759C>G, p.Thr3920Ser (NM_000296.4); c.11762C>G (NM_001009944.2); short protein forms T3920S, T3921S.
Identifiers: ClinVar variation 1256436 (VCV001256436.2), dbSNP rs762372063, ClinGen allele CA394330093.
Genomic context (GRCh38, chr16:2,091,125, plus strand): 5'-AGCAGCCACCGCGCCCAGGCTCCGAGCCGCAGCACGCGCCAGCGCCCTTCCCTGTGCCAA[G>C]TACGGGCCTCGGCCACGGCGAAGTGCACGGCGAACAGCAGCAGGCACACCTGTGGGGGGC-3'
Protein context (NP_001009944.3, residues 3911-3931): AVHFAVAEAR[Thr3921Ser]WHREGRWRVL

ClinVar aggregate classification (germline): Uncertain significance. Review status: criteria provided, multiple submitters, no conflicts (2 of 4 stars). 2 submissions from 2 submitters: Uncertain significance (2). Last evaluated 2025-03-14.

Conditions:
PKD1-related disorder. Also called: PKD1-related condition.

gnomAD v4.1: 2 of 1,487,482 alleles (0.00013%); highest among the groups gnomAD compares: Non-Finnish European, 0.00018%; no homozygotes.

Submissions (2):

PreventionGenetics, part of Exact Sciences
Classification: Uncertain significance for PKD1-related condition. Last evaluated: 2025-03-14. Review status: criteria provided, single submitter. Criteria: ACMG Guidelines, 2015. Collection method: clinical testing. Allele origin: germline.
Comment: The PKD1 c.11762C>G variant is predicted to result in the amino acid substitution p.Thr3921Ser. To our knowledge, this variant has not been reported in the literature. This variant is reported in 0.0024% of alleles in individuals of European (Non-Finnish) descent in gnomAD. At this time, the clinical significance of this variant is uncertain due to the absence of conclusive functional and genetic evidence.

Athena Diagnostics
Classification: Uncertain significance. Last evaluated: 2021-01-20. Review status: criteria provided, single submitter. Criteria: Athena Diagnostics criteria. Collection method: clinical testing. Allele origin: unknown.